The following is an entry in ClinVar:

NM_004615.4(TSPAN7):c.492C>A (p.Tyr164Ter)

Gene: TSPAN7 (tetraspanin 7; plus strand). Cytogenetic location: Xp11.4.
Variant type: single nucleotide variant.
Coding change: c.492C>A on transcript NM_004615.4 (MANE Select); coding-DNA position 492, C replaced by A.
Protein change: p.Tyr164Ter; replaces tyrosine 164 with a stop codon.
Molecular consequence: nonsense.
Genome position (GRCh38, 1-based): chrX:38,675,755, C>A. VCF-style: chrX-38675755-C-A. GRCh37 (hg19) VCF-style: chrX-38535009-C-A.
Other names: short protein forms Y164*.
Identifiers: ClinVar variation 4813576 (VCV004813576.1).

ClinVar aggregate classification (germline): Pathogenic (1 of 4 stars; one submission).

Conditions:
Intellectual developmental disorder, X-linked 58. Also called: Intellectual disability, X-linked 58. Identifiers: Orphanet 777, MedGen C1846174, MONDO:0010266, OMIM 300210.

Submission:

Mendelics
Classification: Pathogenic for Intellectual developmental disorder, X-linked 58. Last evaluated: 2026-03-05. Review status: criteria provided, single submitter. Criteria: ACMG Guidelines, 2015. Collection method: clinical testing. Allele origin: unknown.
Comment: Likely pathogenic/Pathogenic according to ACMG criteria.